The following is an entry in ClinVar:

ClinVar aggregate classification (germline): Uncertain significance (1 of 4 stars; one submission).

Conditions:
Charcot-Marie-Tooth disease type 2. Also called: Charcot-Marie-Tooth type 2. Identifiers: Orphanet 64746, MedGen C0270914, MONDO:0018993.

Submission:

Labcorp Genetics (formerly Invitae), Labcorp
Classification: Uncertain significance for Charcot-Marie-Tooth disease type 2. Last evaluated: 2025-07-09. Review status: criteria provided, single submitter. Criteria: Invitae Variant Classification Sherloc (09022015). Collection method: clinical testing. Allele origin: germline.
Comment: This sequence change replaces threonine, which is neutral and polar, with isoleucine, which is neutral and non-polar, at codon 409 of the LMNA protein (p.Thr409Ile). This variant is not present in population databases (gnomAD no frequency). This variant has not been reported in the literature in individuals affected with LMNA-related conditions. Invitae Evidence Modeling of protein sequence and biophysical properties (such as structural, functional, and spatial information, amino acid conservation, physicochemical variation, residue mobility, and thermodynamic stability) indicates that this missense variant is expected to disrupt LMNA protein function with a positive predictive value of 95%. In summary, the available evidence is currently insufficient to determine the role of this variant in disease. Therefore, it has been classified as a Variant of Uncertain Significance.

NM_170707.4(LMNA):c.1226C>T (p.Thr409Ile)

Gene: LMNA (lamin A/C; plus strand). Cytogenetic location: 1q22.
Variant type: single nucleotide variant.
Coding change: c.1226C>T on transcript NM_170707.4 (MANE Select); coding-DNA position 1226, C replaced by T.
Protein change: p.Thr409Ile; replaces threonine 409 with isoleucine.
Molecular consequence: missense variant.
Genome position (GRCh38, 1-based): chr1:156,136,282, C>T. VCF-style: chr1-156136282-C-T. GRCh37 (hg19) VCF-style: chr1-156106073-C-T.
Other names: c.1226C>T, p.Thr409Ile (NM_170708.4, NM_001282625.2, NM_001282626.2 and 6 more transcripts); c.890C>T, p.Thr297Ile (NM_001257374.3, NM_001406989.1, NM_001406998.1); c.983C>T, p.Thr328Ile (NM_001282624.2, NM_001406986.1, NM_001406987.1); c.929C>T, p.Thr310Ile (NM_001406988.1); c.668C>T, p.Thr223Ile (NM_001406990.1, NM_001406993.1, NM_001406995.1 and 4 more transcripts); c.602C>T, p.Thr201Ile (NM_001406994.1, NM_001406999.1, NM_001407000.1 and 1 more transcripts); short protein forms T201I, T223I, T297I, T310I, T328I, T409I.
Identifiers: ClinVar variation 4799963 (VCV004799963.1).